The following is an entry in ClinVar:

ClinVar aggregate classification (germline): Likely benign. Review status: criteria provided, multiple submitters, no conflicts (2 of 4 stars). 2 submissions from 2 submitters: Likely benign (2). Last evaluated 2026-07-01.

Conditions:
Dilated cardiomyopathy 1G (CMD1G). Identifiers: Orphanet 154, MedGen C1858763, MONDO:0011400, OMIM 604145.
Autosomal recessive limb-girdle muscular dystrophy type 2J (LGMDR10). Also called: Limb-girdle muscular dystrophy, type 2J; MUSCULAR DYSTROPHY, LIMB-GIRDLE, AUTOSOMAL RECESSIVE 10. Identifiers: Orphanet 140922, MedGen C1837342, MONDO:0012127, OMIM 608807.

Allele frequency attached by ClinVar (database versions not stated): gnomAD exomes below 0.00001 and 0.00001; gnomAD 0.00001; ExAC 0.00002.
gnomAD v4.1: 5 of 1,613,570 alleles (0.00031%); highest among the groups gnomAD compares: Admixed American, 0.0083%; no homozygotes.

Submissions (2):

CeGaT Center for Human Genetics Tuebingen
Classification: Likely benign. Last evaluated: 2026-07-01. Review status: criteria provided, single submitter. Criteria: CeGaT Center For Human Genetics Tuebingen Variant Classification Criteria Version 2. Collection method: clinical testing. Allele origin: germline. Affected: yes. Observed: 1 variant allele.
Comment: TTN: BP4, BP7

Labcorp Genetics (formerly Invitae), Labcorp
Classification: Likely benign for Dilated cardiomyopathy 1G; Autosomal recessive limb-girdle muscular dystrophy type 2J. Last evaluated: 2025-01-16. Review status: criteria provided, single submitter. Criteria: Invitae Variant Classification Sherloc (09022015). Collection method: clinical testing. Allele origin: germline.

NM_001267550.2(TTN):c.85488T>C (p.Leu28496=)

Genes: TTN (titin; minus strand), TTN-AS1 (TTN antisense RNA 1; plus strand). Cytogenetic location: 2q31.2.
Variant type: single nucleotide variant.
Coding change: c.85488T>C on transcript NM_001267550.2 (MANE Select); coding-DNA position 85488, T replaced by C.
Protein change: p.Leu28496=; no amino-acid change (leucine 28496 retained).
Molecular consequence: synonymous variant.
Genome position (GRCh38, 1-based): chr2:178,560,644, A>G on the plus strand (T>C on the coding strand, the complement: TTN is on the minus strand). VCF-style: chr2-178560644-A-G. GRCh37 (hg19) VCF-style: chr2-179425371-A-G.
Other names: c.80565T>C, p.Leu26855= (NM_001256850.1); c.58293T>C, p.Leu19431= (NM_003319.4); c.77784T>C, p.Leu25928= (NM_133378.4); c.58668T>C, p.Leu19556= (NM_133432.3); c.58869T>C, p.Leu19623= (NM_133437.4).
Identifiers: ClinVar variation 698391 (VCV000698391.11), dbSNP rs778202815, ClinGen allele CA1988630.